The following is an entry in ClinVar:

NM_000431.4(MVK):c.194C>T (p.Ala65Val)

Gene: MVK (mevalonate kinase; plus strand). Cytogenetic location: 12q24.11.
Variant type: single nucleotide variant.
Coding change: c.194C>T on transcript NM_000431.4 (MANE Select); coding-DNA position 194, C replaced by T.
Protein change: p.Ala65Val; replaces alanine 65 with valine.
Molecular consequence: missense variant.
Genome position (GRCh38, 1-based): chr12:109,576,113, C>T. VCF-style: chr12-109576113-C-T. GRCh37 (hg19) VCF-style: chr12-110013918-C-T.
Other names: c.194C>T, p.Ala65Val (NM_001114185.3, NM_001301182.2, NM_001414511.1 and 3 more transcripts); c.-389C>T (NM_001414515.1); short protein forms A65V.
Identifiers: ClinVar variation 2069710 (VCV002069710.4), dbSNP rs906775984, ClinGen allele CA386643811.

ClinVar aggregate classification (germline): Uncertain significance (1 of 4 stars; one submission).

Conditions:
Porokeratosis 3, disseminated superficial actinic type (POROK3). Also called: POROKERATOSIS, DISSEMINATED SUPERFICIAL ACTINIC, 1; POROKERATOSIS 3, MULTIPLE TYPES; POROKERATOSIS 3, MIBELLI TYPE. Identifiers: MedGen C1867981, MONDO:0008293, OMIM 175900.
Mevalonic aciduria (MEVA). Identifiers: Orphanet 29, MedGen C1959626, MONDO:0012481, OMIM 610377.
Hyperimmunoglobulin D with periodic fever (HIDS). Also called: Hyperimmunoglobulinemia D; HYPERIMMUNOGLOBULINEMIA D AND PERIODIC FEVER SYNDROME; Hyperimmunoglobulinemia D with periodic fever. Identifiers: Orphanet 343, MedGen C0398691, MONDO:0009849, OMIM 260920.

gnomAD v4.1: 2 of 1,614,162 alleles (0.00012%); highest among the groups gnomAD compares: Non-Finnish European, 0.00017%; no homozygotes.

Submission:

Labcorp Genetics (formerly Invitae), Labcorp
Classification: Uncertain significance for Mevalonic aciduria; Hyperimmunoglobulin D with periodic fever; Porokeratosis 3, disseminated superficial actinic type. Last evaluated: 2022-07-05. Review status: criteria provided, single submitter. Criteria: Invitae Variant Classification Sherloc (09022015). Collection method: clinical testing. Allele origin: germline.
Comment: In summary, the available evidence is currently insufficient to determine the role of this variant in disease. Therefore, it has been classified as a Variant of Uncertain Significance. Algorithms developed to predict the effect of sequence changes on RNA splicing suggest that this variant may create or strengthen a splice site. Algorithms developed to predict the effect of missense changes on protein structure and function (SIFT, PolyPhen-2, Align-GVGD) all suggest that this variant is likely to be tolerated. This variant has not been reported in the literature in individuals affected with MVK-related conditions. This variant is not present in population databases (gnomAD no frequency). This sequence change replaces alanine, which is neutral and non-polar, with valine, which is neutral and non-polar, at codon 65 of the MVK protein (p.Ala65Val).